The following is an entry in ClinVar:

ClinVar aggregate classification (germline): Uncertain significance (1 of 4 stars; one submission).

Submission:

GeneDx
Classification: Uncertain significance. Last evaluated: 2025-03-31. Review status: criteria provided, single submitter. Criteria: GeneDx Variant Classification Process June 2021. Collection method: clinical testing. Allele origin: germline. Affected: yes.
Comment: Not observed at significant frequency in large population cohorts (gnomAD); In-frame deletion of 6 amino acids in a non-repeat region; In silico analysis supports a deleterious effect on protein structure/function; Has not been previously published as pathogenic or benign to our knowledge

NM_003128.3(SPTBN1):c.439_456del (p.Leu147_Thr152del)

Gene: SPTBN1 (spectrin beta, non-erythrocytic 1; plus strand). Cytogenetic location: 2p16.2.
Variant type: Deletion.
Coding change: c.439_456del on transcript NM_003128.3 (MANE Select); coding-DNA positions 439 to 456, 18 bases deleted (CTTGGCCTCATCTGGACC).
Protein change: p.Leu147_Thr152del.
Molecular consequence: inframe deletion.
Genome position (GRCh38, 1-based): chr2:54,612,299-54,612,316, CTTGGCCTCATCTGGACC deleted; deleting any 18 consecutive bases within chr2:54,612,295-54,612,316 gives the same sequence; the c. name uses the placement nearest the transcript's 3' end. VCF-style (leftmost placement, unchanged base first): chr2-54612294-TGACCCTTGGCCTCATCTG-T. GRCh37 (hg19) VCF-style: chr2-54839431-TGACCCTTGGCCTCATCTG-T.
Other names: c.400_417del, p.Leu134_Thr139del (NM_178313.3).
Identifiers: ClinVar variation 4278696 (VCV004278696.1).